The following is an entry in ClinVar:

NM_181688.3(KRTAP10-10):c.498T>A (p.Thr166=)

Genes: KRTAP10-10 (keratin associated protein 10-10; plus strand), TSPEAR (thrombospondin type laminin G domain and EAR repeats; minus strand). Cytogenetic location: 21q22.3.
Variant type: single nucleotide variant.
Coding change: c.498T>A on transcript NM_181688.3 (MANE Select); coding-DNA position 498, T replaced by A.
Protein change: p.Thr166=; no amino-acid change (threonine 166 retained).
Molecular consequence: synonymous variant. On other transcripts: intron variant (2).
Genome position (GRCh38, 1-based): chr21:44,637,915, T>A. VCF-style: chr21-44637915-T-A. GRCh37 (hg19) VCF-style: chr21-46057832-T-A.
Other names: c.83-69910A>T (NM_144991.3); c.-123+52630A>T (NM_001272037.2).
Identifiers: ClinVar variation 3904805 (VCV003904805.10).

ClinVar aggregate classification (germline): Benign (1 of 4 stars; one submission).

gnomAD v4.1: 18,580 of 1,607,806 alleles (1.2%); highest among the groups gnomAD compares: Non-Finnish European, 1.4%; 148 homozygotes.

Submission:

CeGaT Center for Human Genetics Tuebingen
Classification: Benign. Last evaluated: 2025-07-01. Review status: criteria provided, single submitter. Criteria: CeGaT Center For Human Genetics Tuebingen Variant Classification Criteria Version 2. Collection method: clinical testing. Allele origin: germline. Affected: yes. Observed: 2 variant alleles.
Comment: KRTAP10-10: BP4, BP7, BS1, BS2